The following is an entry in ClinVar:

ClinVar aggregate classification (germline): Uncertain significance (1 of 4 stars; one submission).

Conditions:
Tuberous sclerosis 1 (TSC1). Identifiers: Orphanet 805, MedGen C1854465, MONDO:0008612, OMIM 191100.

Submission:

Labcorp Genetics (formerly Invitae), Labcorp
Classification: Uncertain significance for Tuberous sclerosis 1. Last evaluated: 2022-12-14. Review status: criteria provided, single submitter. Criteria: Invitae Variant Classification Sherloc (09022015). Collection method: clinical testing. Allele origin: germline.
Comment: Advanced modeling of protein sequence and biophysical properties (such as structural, functional, and spatial information, amino acid conservation, physicochemical variation, residue mobility, and thermodynamic stability) performed at Invitae indicates that this missense variant is not expected to disrupt TSC1 protein function. In summary, the available evidence is currently insufficient to determine the role of this variant in disease. Therefore, it has been classified as a Variant of Uncertain Significance. This variant has not been reported in the literature in individuals affected with TSC1-related conditions. This sequence change replaces glutamic acid, which is acidic and polar, with aspartic acid, which is acidic and polar, at codon 488 of the TSC1 protein (p.Glu488Asp). This variant is not present in population databases (gnomAD no frequency).

NM_000368.5(TSC1):c.1464G>C (p.Glu488Asp)

Gene: TSC1 (TSC complex subunit 1; minus strand). Cytogenetic location: 9q34.13.
Variant type: single nucleotide variant.
Coding change: c.1464G>C on transcript NM_000368.5 (MANE Select); coding-DNA position 1464, G replaced by C.
Protein change: p.Glu488Asp; replaces glutamic acid 488 with aspartic acid.
Molecular consequence: missense variant. On other transcripts: non-coding transcript variant (5).
Genome position (GRCh38, 1-based): chr9:132,906,114, C>G on the plus strand (G>C on the coding strand, the complement: TSC1 is on the minus strand). VCF-style: chr9-132906114-C-G. GRCh37 (hg19) VCF-style: chr9-135781501-C-G.
Other names: c.411G>C, p.Glu137Asp (NM_001406630.1, NM_001406629.1); c.1461G>C, p.Glu487Asp (NM_001162426.2, NM_001406597.1, NM_001406598.1 and 6 more transcripts); c.1311G>C, p.Glu437Asp (NM_001162427.2, NM_001406610.1); c.1101G>C, p.Glu367Asp (NM_001362177.2, NM_001406614.1, NM_001406615.1 and 5 more transcripts); c.1464G>C, p.Glu488Asp (NM_001406592.1, NM_001406593.1, NM_001406594.1 and 7 more transcripts); c.1308G>C, p.Glu436Asp (NM_001406611.1, NM_001406612.1, NM_001406613.1); c.1098G>C, p.Glu366Asp (NM_001406620.1, NM_001406621.1, NM_001406622.1 and 2 more transcripts); c.513G>C, p.Glu171Asp (NM_001406626.1); and 1 more; short protein forms E170D, E171D, E367D, E437D, E487D, E436D, E488D, E137D.
Identifiers: ClinVar variation 2820849 (VCV002820849.3), dbSNP rs1588311193, ClinGen allele CA375365521.